The following is an entry in ClinVar:

NM_002470.4(MYH3):c.1850T>C (p.Leu617Pro)

Gene: MYH3 (myosin heavy chain 3; minus strand). Cytogenetic location: 17p13.1.
Variant type: single nucleotide variant.
Coding change: c.1850T>C on transcript NM_002470.4 (MANE Select); coding-DNA position 1850, T replaced by C.
Protein change: p.Leu617Pro; replaces leucine 617 with proline.
Molecular consequence: missense variant.
Genome position (GRCh38, 1-based): chr17:10,642,455, A>G on the plus strand (T>C on the coding strand, the complement: MYH3 is on the minus strand). VCF-style: chr17-10642455-A-G. GRCh37 (hg19) VCF-style: chr17-10545772-A-G.
Other names: short protein forms L617P.
Identifiers: ClinVar variation 3400777 (VCV003400777.2).

ClinVar aggregate classification (germline): Uncertain significance. Review status: criteria provided, multiple submitters, no conflicts (2 of 4 stars). 2 submissions from 2 submitters: Uncertain significance (2). Last evaluated 2025-04-08.

Conditions:
Inborn genetic diseases. Identifiers: MedGen C0950123, MeSH D030342.

gnomAD v4.1: 1 of 1,614,184 alleles (0.000062%); highest among the groups gnomAD compares: Non-Finnish European, 0.000085%; no homozygotes.

Submissions (2):

Labcorp Genetics (formerly Invitae), Labcorp
Classification: Uncertain significance. Last evaluated: 2025-04-08. Review status: criteria provided, single submitter. Criteria: Invitae Variant Classification Sherloc (09022015). Collection method: clinical testing. Allele origin: germline.
Comment: This sequence change replaces leucine, which is neutral and non-polar, with proline, which is neutral and non-polar, at codon 617 of the MYH3 protein (p.Leu617Pro). This variant is present in population databases (no rsID available, gnomAD 0.002%). This variant has not been reported in the literature in individuals affected with MYH3-related conditions. ClinVar contains an entry for this variant (Variation ID: 3400777). Invitae Evidence Modeling of protein sequence and biophysical properties (such as structural, functional, and spatial information, amino acid conservation, physicochemical variation, residue mobility, and thermodynamic stability) indicates that this missense variant is not expected to disrupt MYH3 protein function with a negative predictive value of 95%. In summary, the available evidence is currently insufficient to determine the role of this variant in disease. Therefore, it has been classified as a Variant of Uncertain Significance.

Ambry Genetics
Classification: Uncertain significance for Inborn genetic diseases. Last evaluated: 2024-07-30. Review status: criteria provided, single submitter. Criteria: Ambry Variant Classification Scheme 2023. Collection method: clinical testing. Allele origin: germline.